The following is an entry in ClinVar:

NM_000388.4(CASR):c.237G>C (p.Glu79Asp)

Gene: CASR (calcium sensing receptor; plus strand). Cytogenetic location: 3q21.1.
Variant type: single nucleotide variant.
Coding change: c.237G>C on transcript NM_000388.4 (MANE Select); coding-DNA position 237, G replaced by C.
Protein change: p.Glu79Asp; replaces glutamic acid 79 with aspartic acid.
Molecular consequence: missense variant.
Genome position (GRCh38, 1-based): chr3:122,257,132, G>C. VCF-style: chr3-122257132-G-C. GRCh37 (hg19) VCF-style: chr3-121975979-G-C.
Other names: c.237G>C, p.Glu79Asp (NM_001178065.2); short protein forms E79D.
Identifiers: ClinVar variation 834716 (VCV000834716.12), dbSNP rs2074562746, ClinGen allele CA354362456.

ClinVar aggregate classification (germline): Uncertain significance. Review status: criteria provided, multiple submitters, no conflicts (2 of 4 stars). 2 submissions from 2 submitters: Uncertain significance (2). Last evaluated 2022-09-17.

Conditions:
Nephrolithiasis/nephrocalcinosis. Identifiers: MedGen CN580796.
Autosomal dominant hypocalcemia 1 (HYPOC1). Also called: HYPOCALCEMIA, FAMILIAL. Identifiers: MedGen C3715128, MONDO:0011013, OMIM 601198.
Familial hypocalciuric hypercalcemia (FHH). Also called: Familial benign hypercalcemia. Identifiers: Orphanet 405, MedGen C1809471, MONDO:0018458.

Submissions (2):

Ambry Genetics
Classification: Uncertain significance for Nephrolithiasis/nephrocalcinosis. Last evaluated: 2022-09-17. Review status: criteria provided, single submitter. Criteria: Ambry Variant Classification Scheme 2023. Collection method: clinical testing. Allele origin: germline.
Comment: The p.E79D variant (also known as c.237G>C), located in coding exon 2 of the CASR gene, results from a G to C substitution at nucleotide position 237. The glutamic acid at codon 79 is replaced by aspartic acid, an amino acid with highly similar properties. This amino acid position is conserved. In addition, the in silico prediction for this alteration is inconclusive. Since supporting evidence is limited at this time, the clinical significance of this alteration remains unclear.

Labcorp Genetics (formerly Invitae), Labcorp
Classification: Uncertain significance for Familial hypocalciuric hypercalcemia; Autosomal dominant hypocalcemia 1. Last evaluated: 2022-08-09. Review status: criteria provided, single submitter. Criteria: Invitae Variant Classification Sherloc (09022015). Collection method: clinical testing. Allele origin: germline.
Comment: This sequence change replaces glutamic acid, which is acidic and polar, with aspartic acid, which is acidic and polar, at codon 79 of the CASR protein (p.Glu79Asp). This variant is not present in population databases (gnomAD no frequency). This variant has not been reported in the literature in individuals affected with CASR-related conditions. ClinVar contains an entry for this variant (Variation ID: 834716). Algorithms developed to predict the effect of missense changes on protein structure and function are either unavailable or do not agree on the potential impact of this missense change (SIFT: "Deleterious"; PolyPhen-2: "Benign"; Align-GVGD: "Class C35"). In summary, the available evidence is currently insufficient to determine the role of this variant in disease. Therefore, it has been classified as a Variant of Uncertain Significance.